The following is an entry in ClinVar:

NM_017780.4(CHD7):c.8295G>T (p.Gln2765His)

Gene: CHD7 (chromodomain helicase DNA binding protein 7; plus strand). Cytogenetic location: 8q12.2.
Variant type: single nucleotide variant.
Coding change: c.8295G>T on transcript NM_017780.4 (MANE Select); coding-DNA position 8295, G replaced by T.
Protein change: p.Gln2765His; replaces glutamine 2765 with histidine.
Molecular consequence: missense variant.
Genome position (GRCh38, 1-based): chr8:60,865,234, G>T. VCF-style: chr8-60865234-G-T. GRCh37 (hg19) VCF-style: chr8-61777793-G-T.
Other names: c.2148G>T, p.Gln716His (NM_001316690.1); short protein forms Q2765H, Q716H.
Identifiers: ClinVar variation 1315234 (VCV001315234.2), dbSNP rs375083875, ClinGen allele CA371308145.
Genomic context (GRCh38, chr8:60,865,234, plus strand): 5'-GGTGAACAGCCTGTTTGCTGGAATGGACCTGACGAGCCTTCAGAATCTCCAGAATCTCCA[G>T]TCGCTCCAGCTGGCAGGCCTCATGGGCTTCCCTCCAGGACTGGCAACAGCTGCCACCGCC-3'
Protein context (NP_060250.2, residues 2755-2775): LTSLQNLQNL[Gln2765His]SLQLAGLMGF

ClinVar aggregate classification (germline): Uncertain significance (1 of 4 stars; one submission).

Submission:

GeneDx
Classification: Uncertain significance. Last evaluated: 2020-01-31. Review status: criteria provided, single submitter. Criteria: GeneDx Variant Classification Process June 2021. Collection method: clinical testing. Allele origin: germline. Affected: yes.
Comment: In silico analysis supports that this missense variant has a deleterious effect on protein structure/function; Missense variant in a gene in which most reported pathogenic variants are truncating/loss-of-function; Has not been previously published as pathogenic or benign to our knowledge